The following is an entry in ClinVar:

ClinVar aggregate classification (germline): Pathogenic (1 of 4 stars; one submission).

gnomAD v4.1: 1 of 1,614,012 alleles (0.000062%); highest among the groups gnomAD compares: African/African-American, 0.0013%; no homozygotes.

Submission:

Labcorp Genetics (formerly Invitae), Labcorp
Classification: Pathogenic. Last evaluated: 2026-01-26. Review status: criteria provided, single submitter. Criteria: Invitae Variant Classification Sherloc (09022015). Collection method: clinical testing. Allele origin: germline.
Comment: This sequence change creates a premature translational stop signal (p.Trp336*) in the AAAS gene. It is expected to result in an absent or disrupted protein product. Loss-of-function variants in AAAS are known to be pathogenic (PMID: 11159947). This variant is not present in population databases (gnomAD no frequency). This variant has not been reported in the literature in individuals affected with AAAS-related conditions. For these reasons, this variant has been classified as Pathogenic.

Literature cited by the submitters: PubMed 11159947.

NM_015665.6(AAAS):c.1008G>A (p.Trp336Ter)

Gene: AAAS (aladin WD repeat nucleoporin; minus strand). Cytogenetic location: 12q13.13.
Variant type: single nucleotide variant.
Coding change: c.1008G>A on transcript NM_015665.6 (MANE Select); coding-DNA position 1008, G replaced by A.
Protein change: p.Trp336Ter; replaces tryptophan 336 with a stop codon.
Molecular consequence: nonsense.
Genome position (GRCh38, 1-based): chr12:53,308,804, C>T on the plus strand (G>A on the coding strand, the complement: AAAS is on the minus strand). VCF-style: chr12-53308804-C-T. GRCh37 (hg19) VCF-style: chr12-53702588-C-T.
Other names: c.909G>A, p.Trp303Ter (NM_001173466.2); short protein forms W303*, W336*.
Identifiers: ClinVar variation 4772420 (VCV004772420.1).